The following is an entry in ClinVar:

NM_020166.5(MCCC1):c.1123A>G (p.Ile375Val)

Gene: MCCC1 (methylcrotonyl-CoA carboxylase subunit 1; minus strand). Cytogenetic location: 3q27.1.
Variant type: single nucleotide variant.
Coding change: c.1123A>G on transcript NM_020166.5 (MANE Select); coding-DNA position 1123, A replaced by G.
Protein change: p.Ile375Val; replaces isoleucine 375 with valine.
Molecular consequence: missense variant. On other transcripts: non-coding transcript variant (2).
Genome position (GRCh38, 1-based): chr3:183,041,711, T>C on the plus strand (A>G on the coding strand, the complement: MCCC1 is on the minus strand). VCF-style: chr3-183041711-T-C. GRCh37 (hg19) VCF-style: chr3-182759499-T-C.
Other names: c.772A>G, p.Ile258Val (NM_001293273.2); c.796A>G, p.Ile266Val (NM_001363880.1); short protein forms I258V, I266V, I375V.
Identifiers: ClinVar variation 1475441 (VCV001475441.5), dbSNP rs2108479414, ClinGen allele CA355323282.
Genomic context (GRCh38, chr3:183,041,711, plus strand): 5'-AGTTATTGCTAGGATCTTCTGCATATATTCTAGCTTCGAAGGCATGGCCCTGCAGAGTTA[T>C]TTCTTCCTGGCTCAAAGGAATCTTCTCTCCTGCTGCAATCTGGCAATAGAATAGTGTTTC-3'
Protein context (NP_064551.3, residues 365-385): GEKIPLSQEE[Ile375Val]TLQGHAFEAR

ClinVar aggregate classification (germline): Uncertain significance (1 of 4 stars; one submission).

Conditions:
3-methylcrotonyl-CoA carboxylase 1 deficiency (MCC1D). Also called: MCCD TYPE 1; METHYLCROTONYLGLYCINURIA TYPE I; MCC 1 deficiency; 3 Alpha methylcrotonylglycinuria 1. Identifiers: Orphanet 6, MedGen CN028786, MONDO:0008861, OMIM 210200.

Allele frequency attached by ClinVar (database versions not stated): gnomAD exomes below 0.00001.
gnomAD v4.1: 1 of 1,614,216 alleles (0.000062%); highest among the groups gnomAD compares: East Asian, 0.0022%; no homozygotes.

Submission:

Labcorp Genetics (formerly Invitae), Labcorp
Classification: Uncertain significance for 3-methylcrotonyl-CoA carboxylase 1 deficiency. Last evaluated: 2021-09-01. Review status: criteria provided, single submitter. Criteria: Invitae Variant Classification Sherloc (09022015). Collection method: clinical testing. Allele origin: germline.
Comment: This sequence change replaces isoleucine with valine at codon 375 of the MCCC1 protein (p.Ile375Val). The isoleucine residue is highly conserved and there is a small physicochemical difference between isoleucine and valine. This variant is not present in population databases (ExAC no frequency). This variant has not been reported in the literature in individuals affected with MCCC1-related conditions. Algorithms developed to predict the effect of missense changes on protein structure and function (SIFT, PolyPhen-2, Align-GVGD) all suggest that this variant is likely to be tolerated. Algorithms developed to predict the effect of sequence changes on RNA splicing suggest that this variant may create or strengthen a splice site. In summary, the available evidence is currently insufficient to determine the role of this variant in disease. Therefore, it has been classified as a Variant of Uncertain Significance.